The following is an entry in ClinVar:

ClinVar aggregate classification (germline): Uncertain significance (1 of 4 stars; one submission).

Conditions:
Early-infantile DEE. Also called: Ohtahara syndrome; Early infantile epileptic encephalopathy with suppression bursts; Early infantile epileptic encephalopathy. Identifiers: Orphanet 1934, MedGen C0393706, MONDO:0800491.

Submission:

Labcorp Genetics (formerly Invitae), Labcorp
Classification: Uncertain significance for Early-infantile DEE. Last evaluated: 2023-11-07. Review status: criteria provided, single submitter. Criteria: Invitae Variant Classification Sherloc (09022015). Collection method: clinical testing. Allele origin: germline.
Comment: This sequence change replaces isoleucine, which is neutral and non-polar, with threonine, which is neutral and polar, at codon 1264 of the SCN1A protein (p.Ile1264Thr). This variant is not present in population databases (gnomAD no frequency). This variant has not been reported in the literature in individuals affected with SCN1A-related conditions. Advanced modeling of protein sequence and biophysical properties (such as structural, functional, and spatial information, amino acid conservation, physicochemical variation, residue mobility, and thermodynamic stability) performed at Invitae indicates that this missense variant is expected to disrupt SCN1A protein function with a positive predictive value of 95%. In summary, the available evidence is currently insufficient to determine the role of this variant in disease. Therefore, it has been classified as a Variant of Uncertain Significance.

NM_001165963.4(SCN1A):c.3791T>C (p.Ile1264Thr)

Genes: SCN1A (sodium voltage-gated channel alpha subunit 1; minus strand), LOC102724058 (uncharacterized LOC102724058; plus strand). Cytogenetic location: 2q24.3.
Variant type: single nucleotide variant.
Coding change: c.3791T>C on transcript NM_001165963.4 (MANE Select); coding-DNA position 3791, T replaced by C.
Protein change: p.Ile1264Thr; replaces isoleucine 1264 with threonine.
Molecular consequence: missense variant. On other transcripts: non-coding transcript variant (1).
Genome position (GRCh38, 1-based): chr2:166,012,197, A>G on the plus strand (T>C on the coding strand, the complement: SCN1A is on the minus strand). VCF-style: chr2-166012197-A-G. GRCh37 (hg19) VCF-style: chr2-166868707-A-G.
Other names: c.3707T>C, p.Ile1236Thr (NM_001165964.3, NM_001353957.2, NM_001353958.2); c.3791T>C, p.Ile1264Thr (NM_001202435.3, NM_001353948.2); c.3758T>C, p.Ile1253Thr (NM_001353949.2, NM_001353950.2, NM_001353951.2 and 2 more transcripts); c.3755T>C, p.Ile1252Thr (NM_001353954.2, NM_001353955.2); c.3704T>C, p.Ile1235Thr (NM_001353960.2); c.1349T>C, p.Ile450Thr (NM_001353961.2); short protein forms I1235T, I1236T, I1253T, I1264T, I450T, I1252T.
Identifiers: ClinVar variation 2861060 (VCV002861060.3), dbSNP rs2468514052, ClinGen allele CA349054333.
Genomic context (GRCh38, chr2:166,012,197, plus strand): 5'-CAGGCATTGGTGAAATATGTTTGATAGCCATATGCCACCCATTTTAGAAGCATTTCCAGA[A>G]TGAAAATGTAAGTGAAAACCTTGTCAGCATATTCCAACATCGTCTTAATCGTCTTTCGCT-3'
Protein context (NP_001159435.1, residues 1254-1274): YADKVFTYIF[Ile1264Thr]LEMLLKWVAY